The following is an entry in ClinVar:

ClinVar aggregate classification (germline): Uncertain significance (1 of 4 stars; one submission).

Allele frequency attached by ClinVar (database versions not stated): TOPMed 0.00001.
gnomAD v4.1: 2 of 1,613,604 alleles (0.00012%); highest among the groups gnomAD compares: Non-Finnish European, 0.000085%; no homozygotes.

Submission:

Labcorp Genetics (formerly Invitae), Labcorp
Classification: Uncertain significance. Last evaluated: 2022-07-25. Review status: criteria provided, single submitter. Criteria: Invitae Variant Classification Sherloc (09022015). Collection method: clinical testing. Allele origin: germline.
Comment: This sequence change replaces glutamic acid, which is acidic and polar, with glycine, which is neutral and non-polar, at codon 234 of the ADSSL1 protein (p.Glu234Gly). This variant is present in population databases (no rsID available, gnomAD 0.007%). This variant has not been reported in the literature in individuals affected with ADSSL1-related conditions. Algorithms developed to predict the effect of missense changes on protein structure and function are either unavailable or do not agree on the potential impact of this missense change (SIFT: "Not Available"; PolyPhen-2: "Possibly Damaging"; Align-GVGD: "Not Available"). In summary, the available evidence is currently insufficient to determine the role of this variant in disease. Therefore, it has been classified as a Variant of Uncertain Significance.

NM_152328.5(ADSS1):c.572A>G (p.Glu191Gly)

Gene: ADSS1 (adenylosuccinate synthase 1; plus strand). Cytogenetic location: 14q32.33.
Variant type: single nucleotide variant.
Coding change: c.572A>G on transcript NM_152328.5 (MANE Select); coding-DNA position 572, A replaced by G.
Protein change: p.Glu191Gly; replaces glutamic acid 191 with glycine.
Molecular consequence: missense variant. On other transcripts: 5 prime UTR variant (1).
Genome position (GRCh38, 1-based): chr14:104,740,696, A>G. VCF-style: chr14-104740696-A-G. GRCh37 (hg19) VCF-style: chr14-105207033-A-G.
Other names: c.-44A>G (NM_001320424.1); c.701A>G, p.Glu234Gly (NM_199165.2); short protein forms E191G, E234G.
Identifiers: ClinVar variation 2094015 (VCV002094015.4), dbSNP rs1283718395, ClinGen allele CA391239765.